The following is an entry in ClinVar:

NM_003922.4(HERC1):c.6314C>G (p.Thr2105Ser)

Gene: HERC1 (HECT and RLD domain containing E3 ubiquitin protein ligase family member 1; minus strand). Cytogenetic location: 15q22.31.
Variant type: single nucleotide variant.
Coding change: c.6314C>G on transcript NM_003922.4 (MANE Select); coding-DNA position 6314, C replaced by G.
Protein change: p.Thr2105Ser; replaces threonine 2105 with serine.
Molecular consequence: missense variant.
Genome position (GRCh38, 1-based): chr15:63,680,688, G>C on the plus strand (C>G on the coding strand, the complement: HERC1 is on the minus strand). VCF-style: chr15-63680688-G-C. GRCh37 (hg19) VCF-style: chr15-63972887-G-C.
Other names: short protein forms T2105S.
Identifiers: ClinVar variation 1805621 (VCV001805621.1), dbSNP rs2551409291, ClinGen allele CA392741551.

ClinVar aggregate classification (germline): Uncertain significance (1 of 4 stars; one submission).

Conditions:
Macrocephaly, dysmorphic facies, and psychomotor retardation (MDFPMR). Identifiers: Orphanet 457359, MedGen C4310766, MONDO:0014863, OMIM 617011.

Allele frequency attached by ClinVar (database versions not stated): gnomAD exomes below 0.00001.
gnomAD v4.1: 1 of 1,613,730 alleles (0.000062%); highest among the groups gnomAD compares: Non-Finnish European, 0.000085%; no homozygotes.

Submission:

Victorian Clinical Genetics Services, Murdoch Childrens Research Institute
Classification: Uncertain significance for Macrocephaly, dysmorphic facies, and psychomotor retardation. Last evaluated: 2020-06-11. Review status: criteria provided, single submitter. Criteria: ACMG Guidelines, 2015. Collection method: clinical testing. Allele origin: germline. Inheritance: Autosomal recessive inheritance. Affected: yes.
Comment: Based on the classification scheme VCGS_Germline_v1.1.1, this variant is classified as 3B-VUS. Following criteria are met: 0102 - Loss-of-function is a known mechanism of disease for this gene. (N) 0106 - This gene is known to be associated with autosomal recessive disease. (N) 0200 - Variant is predicted to result in a missense amino acid change from a threonine to a serine (exon 35). (N) 0251 - Variant is heterozygous. (N) 0301 - Variant is absent from gnomAD. (P) 0502 - Missense variant with conflicting in silico predictions and/or uninformative conservation. (N) 0600 - Variant is located in an annotated domain or motif (SPRY domain; NCBI, PDB). (N) 0705 - No comparable variants have previous evidence for pathogenicity. (N) 0807 - Variant has not previously been reported in a clinical context. (N) 0905 - No segregation evidence has been identified for this variant. (N) 1007 - No published functional evidence has been identified for this variant. (N) 1208 - Inheritance information for this variant is not currently available. (N) Legend: (P) - Pathogenic, (N) - Neutral, (B) - Benign